The following is an entry in ClinVar:

NM_000321.3(RB1):c.1498+1G>A

Gene: RB1 (RB transcriptional corepressor 1; plus strand). Cytogenetic location: 13q14.2.
Variant type: single nucleotide variant.
Coding change: c.1498+1G>A on transcript NM_000321.3 (MANE Select); the canonical splice donor site of the intron after coding-DNA position 1498, G replaced by A.
Molecular consequence: splice donor variant.
Genome position (GRCh38, 1-based): chr13:48,380,242, G>A. VCF-style: chr13-48380242-G-A. GRCh37 (hg19) VCF-style: chr13-48954378-G-A.
Other names: c.1498+1G>A (NM_001407165.1, NM_001407166.1).
Identifiers: ClinVar variation 428736 (VCV000428736.6), dbSNP rs1131690909, ClinGen allele CA388162927.

ClinVar aggregate classification (germline): Pathogenic/Likely pathogenic. Review status: criteria provided, multiple submitters, no conflicts (2 of 4 stars). 2 submissions from 2 submitters: Pathogenic (1); Likely pathogenic (1). Last evaluated 2024-05-20.

Conditions:
Hereditary cancer-predisposing syndrome. Also called: Hereditary Cancer Syndrome; Neoplastic Syndromes, Hereditary; Hereditary neoplastic syndrome; Tumor predisposition. Identifiers: Orphanet 140162, MedGen C0027672, MeSH D009386, MONDO:0015356.
Retinoblastoma (RB1). Also called: RETINOBLASTOMA, SOMATIC. Identifiers: Orphanet 790, MedGen C0035335, MeSH D012175, MONDO:0008380, OMIM 180200, HP:0009919. Disease mechanism: loss of function. Inheritance: Both sporadic and heritable forms are tested..

Submissions (2):

Genetic Diagnostic Laboratory, University of Pennsylvania School of Medicine
Classification: Pathogenic for Retinoblastoma. Last evaluated: 2024-05-20. Review status: criteria provided, single submitter. Criteria: ACMG Guidelines, 2015. Collection method: clinical testing. Allele origin: germline. Affected: yes. Observed: 1 variant allele.
Comment: Case and Pedigree Information: BILATERAL CASES:1, UNILATERAL CASES:0, TOTAL CASES:1, PEDIGREES:1. ACMG Codes Applied:PVS1, PM2

Ambry Genetics
Classification: Likely pathogenic for Hereditary cancer-predisposing syndrome. Last evaluated: 2020-05-27. Review status: criteria provided, single submitter. Criteria: Ambry Variant Classification Scheme 2023. Collection method: clinical testing. Allele origin: germline.
Comment: The c.1498+1G>A intronic variant results from a G to A substitution one nucleotide after coding exon 16 of the RB1 gene. This nucleotide position is highly conserved in available vertebrate species. Using the BDGP and ESEfinder splice site prediction tools, this alteration is predicted to abolish the native splice donor site; however, direct evidence is unavailable. Alterations that disrupt the canonical splice site are expected to cause aberrant splicing, resulting in an abnormal protein or a transcript that is subject to nonsense-mediated mRNA decay. As such, this alteration is classified as likely pathogenic.

Literature cited by the submitters: PubMed 26084579 (cited by Ambry Genetics).